The following is an entry in ClinVar:

ClinVar aggregate classification (germline): Uncertain significance (1 of 4 stars; one submission).

gnomAD v4.1: 10 of 1,614,004 alleles (0.00062%); highest among the groups gnomAD compares: Non-Finnish European, 0.00068%; no homozygotes.

Submission:

Labcorp Genetics (formerly Invitae), Labcorp
Classification: Uncertain significance. Last evaluated: 2023-12-22. Review status: criteria provided, single submitter. Criteria: Invitae Variant Classification Sherloc (09022015). Collection method: clinical testing. Allele origin: germline.
Comment: This sequence change replaces glutamic acid, which is acidic and polar, with glutamine, which is neutral and polar, at codon 23 of the C1QA protein (p.Glu23Gln). This variant is present in population databases (rs17887074, gnomAD 0.0009%). This variant has not been reported in the literature in individuals affected with C1QA-related conditions. ClinVar contains an entry for this variant (Variation ID: 1408212). Algorithms developed to predict the effect of missense changes on protein structure and function output the following: SIFT: "Not Available"; PolyPhen-2: "Benign"; Align-GVGD: "Not Available". The glutamine amino acid residue is found in multiple mammalian species, which suggests that this missense change does not adversely affect protein function. In summary, the available evidence is currently insufficient to determine the role of this variant in disease. Therefore, it has been classified as a Variant of Uncertain Significance.

NM_015991.4(C1QA):c.67G>C (p.Glu23Gln)

Gene: C1QA (complement C1q A chain; plus strand). Cytogenetic location: 1p36.12.
Variant type: single nucleotide variant.
Coding change: c.67G>C on transcript NM_015991.4 (MANE Select); coding-DNA position 67, G replaced by C.
Protein change: p.Glu23Gln; replaces glutamic acid 23 with glutamine.
Molecular consequence: missense variant.
Genome position (GRCh38, 1-based): chr1:22,637,683, G>C. VCF-style: chr1-22637683-G-C. GRCh37 (hg19) VCF-style: chr1-22964176-G-C.
Other names: c.67G>C, p.Glu23Gln (NM_001347465.2, NM_001347466.2); short protein forms E23Q.
Identifiers: ClinVar variation 1408212 (VCV001408212.6), dbSNP rs17887074, ClinGen allele CA677708.